The following is an entry in ClinVar:

NM_199420.4(POLQ):c.1787A>C (p.Gln596Pro)

Gene: POLQ (DNA polymerase theta; minus strand). Cytogenetic location: 3q13.33.
Variant type: single nucleotide variant.
Coding change: c.1787A>C on transcript NM_199420.4 (MANE Select); coding-DNA position 1787, A replaced by C.
Protein change: p.Gln596Pro; replaces glutamine 596 with proline.
Molecular consequence: missense variant.
Genome position (GRCh38, 1-based): chr3:121,510,068, T>G on the plus strand (A>C on the coding strand, the complement: POLQ is on the minus strand). VCF-style: chr3-121510068-T-G. GRCh37 (hg19) VCF-style: chr3-121228915-T-G.
Other names: short protein forms Q596P.
Identifiers: ClinVar variation 3308581 (VCV003308581.1).
Genomic context (GRCh38, chr3:121,510,068, plus strand): 5'-GAGTAAATTGCAACTGAGAAGTCACACTTACCTTCTGTTCCATCACTGGCTTCTGTACTC[T>G]GGATGAATTCATTTTCTAGTAGCCACATCACACAGGCCTCAATCGCTCCAAGCTGAACAG-3'
Protein context (NP_955452.3, residues 586-606): VMWLLENEFI[Gln596Pro]STEASDGTEG

ClinVar aggregate classification (germline): Uncertain significance (1 of 4 stars; one submission).

Submission:

Ambry Genetics
Classification: Uncertain significance. Last evaluated: 2024-03-16. Review status: criteria provided, single submitter. Criteria: Ambry Variant Classification Scheme 2023. Collection method: clinical testing. Allele origin: germline.
Comment: The p.Q596P variant (also known as c.1787A>C), located in coding exon 11 of the POLQ gene, results from an A to C substitution at nucleotide position 1787. The glutamine at codon 596 is replaced by proline, an amino acid with similar properties. This amino acid position is conserved. In addition, the in silico prediction for this alteration is inconclusive. Based on the available evidence, the clinical significance of this alteration remains unclear.